The following is an entry in ClinVar:

NM_005515.4(MNX1):c.298GGC[4] (p.Gly104_Gly105del)

Gene: MNX1 (motor neuron and pancreas homeobox 1; minus strand). Cytogenetic location: 7q36.3.
Variant type: Microsatellite.
Coding change: c.298GGC[4] on transcript NM_005515.4 (MANE Select); four copies in a row of the 3-base unit GGC starting at c.298; the reference has six copies in a row; two copies, 6 bases deleted.
Protein change: p.Gly104_Gly105del.
Molecular consequence: inframe deletion.
Genome position (GRCh38, 1-based): chr7:157,010,036-157,010,041, GCCGCC deleted on the plus strand (GGCGGC on the coding strand, the reverse complement: MNX1 is on the minus strand); deleting any 6 consecutive bases within chr7:157,010,036-157,010,053 gives the same sequence; the position shown is the placement nearest the transcript's 3' end. VCF-style (leftmost placement, unchanged base first): chr7-157010035-TGCCGCC-T. GRCh37 (hg19) VCF-style: chr7-156802729-TGCCGCC-T.
Identifiers: ClinVar variation 3018588 (VCV003018588.3), dbSNP rs757330807, ClinGen allele CA835796041.
Genomic context (GRCh38, chr7:157,010,035, plus strand): 5'-CGGCAGCGGCCGCTGCGCCCGGATGCGCGTGGTGGTGGGGCCCCCCGTGCCCGCCGCCCG[TGCCGCC>T]GCCGCCGCCGCCCGCGCCCAGGAAGCCCGGCTTGGGCAGCAGCGCGCAGTGCGCGGCCAG-3'

ClinVar aggregate classification (germline): Uncertain significance (1 of 4 stars; one submission).

Submission:

Labcorp Genetics (formerly Invitae), Labcorp
Classification: Uncertain significance. Last evaluated: 2024-04-05. Review status: criteria provided, single submitter. Criteria: Invitae Variant Classification Sherloc (09022015). Collection method: clinical testing. Allele origin: germline.
Comment: This variant, c.310_315del, results in the deletion of 2 amino acid(s) of the MNX1 protein (p.Gly104_Gly105del), but otherwise preserves the integrity of the reading frame. The frequency data for this variant in the population databases is considered unreliable, as metrics indicate insufficient coverage at this position in the gnomAD database. This variant has not been reported in the literature in individuals affected with MNX1-related conditions. Experimental studies and prediction algorithms are not available or were not evaluated, and the functional significance of this variant is currently unknown. In summary, the available evidence is currently insufficient to determine the role of this variant in disease. Therefore, it has been classified as a Variant of Uncertain Significance.